The following is an entry in ClinVar:

ClinVar aggregate classification (germline): Likely pathogenic (1 of 4 stars; one submission).

Conditions:
Bardet-Biedl syndrome 2 (BBS2). Identifiers: Orphanet 110, MedGen C2936863, MONDO:0014432, OMIM 615981.

Submission:

Natera, Inc.
Classification: Likely pathogenic for Bardet-Biedl syndrome type 2. Last evaluated: 2024-12-27. Review status: criteria provided, single submitter. Criteria: Natera Variant Classification Schema (03/2026). Collection method: clinical testing. Allele origin: germline.
Comment: The c.61del variant in BBS2 is a frameshift variant predicted to shift the reading frame and introduce a stop codon. This variant is expected to result in nonsense mediated decay, truncation, or a dysfunctional protein product. This variant is rare in the general population with a frequency below the threshold expected for the associated phenotype(s). Given the available evidence, this variant is classified as Likely Pathogenic.

NM_031885.5(BBS2):c.61del (p.Ala20_Ile21insTer)

Gene: BBS2 (Bardet-Biedl syndrome 2; minus strand). Cytogenetic location: 16q13.
Variant type: Deletion.
Coding change: c.61del on transcript NM_031885.5 (MANE Select); coding-DNA position 61, one base deleted (A; older notation c.61delA).
Protein change: p.Ala20_Ile21insTer.
Molecular consequence: nonsense. On other transcripts: non-coding transcript variant (5).
Genome position (GRCh38, 1-based): chr16:56,519,802, T deleted on the plus strand (A on the coding strand, the reverse complement: BBS2 is on the minus strand). VCF-style (leftmost placement, unchanged base first): chr16-56519801-AT-A. GRCh37 (hg19) VCF-style: chr16-56553713-AT-A.
Other names: c.61del, p.Ala20_Ile21insTer (NM_001377456.1).
Identifiers: ClinVar variation 4816292 (VCV004816292.1).